The following is an entry in ClinVar:

NM_000089.4(COL1A2):c.1305T>A (p.Asn435Lys)

Gene: COL1A2 (collagen type I alpha 2 chain; plus strand). Cytogenetic location: 7q21.3.
Variant type: single nucleotide variant.
Coding change: c.1305T>A on transcript NM_000089.4 (MANE Select); coding-DNA position 1305, T replaced by A.
Protein change: p.Asn435Lys; replaces asparagine 435 with lysine.
Molecular consequence: missense variant.
Genome position (GRCh38, 1-based): chr7:94,411,109, T>A. VCF-style: chr7-94411109-T-A. GRCh37 (hg19) VCF-style: chr7-94040421-T-A.
Other names: short protein forms N435K.
Identifiers: ClinVar variation 4075038 (VCV004075038.2).
Genomic context (GRCh38, chr7:94,411,109, plus strand): 5'-TGAATAGGGCCCTCCTGGTAGTCGTGGTGCAAGTGGCCCTGCTGGAGTCCGAGGACCTAA[T>A]GGAGATGCTGGTCGCCCTGGGGAGCCTGGTCTCATGGGACCCAGAGTAAGTTTCAAACTG-3'
Protein context (NP_000080.2, residues 425-445): ASGPAGVRGP[Asn435Lys]GDAGRPGEPG

ClinVar aggregate classification (germline): Uncertain significance. Review status: criteria provided, multiple submitters, no conflicts (2 of 4 stars). 2 submissions from 2 submitters: Uncertain significance (2). Last evaluated 2025-08-06.

Conditions:
Osteogenesis imperfecta (OI). Identifiers: Orphanet 666, MedGen C0029434, MeSH D010013, MONDO:0019019.
Ehlers-Danlos syndrome, classic type, 1 (EDSCL1). Also called: EHLERS-DANLOS SYNDROME, GRAVIS TYPE; EHLERS-DANLOS SYNDROME, SEVERE CLASSIC TYPE; Ehlers-Danlos syndrome, type 1; Ehlers-Danlos Syndrome, Classic Type, COL5A1-Related; EDS I. Identifiers: MedGen C0268335, MONDO:0019567, OMIM 130000.
Osteogenesis imperfecta type I (OI1). Also called: OI, TYPE I; OSTEOGENESIS IMPERFECTA TARDA; OSTEOGENESIS IMPERFECTA WITH BLUE SCLERAE; Osteogenesis imperfecta type 1; Lobstein's Disease; Lobstein disease. Identifiers: Orphanet 216796, Orphanet 666, MedGen C0023931, MONDO:0008146, OMIM 166200. Disease mechanism: loss of function.

gnomAD v4.1: 8 of 1,604,088 alleles (0.0005%); highest among the groups gnomAD compares: Non-Finnish European, 0.00068%; no homozygotes.

Submissions (2):

Labcorp Genetics (formerly Invitae), Labcorp
Classification: Uncertain significance for Osteogenesis imperfecta type I; Ehlers-Danlos syndrome, classic type, 1. Last evaluated: 2025-08-06. Review status: criteria provided, single submitter. Criteria: Invitae Variant Classification Sherloc (09022015). Collection method: clinical testing. Allele origin: germline.
Comment: This sequence change replaces asparagine, which is neutral and polar, with lysine, which is basic and polar, at codon 435 of the COL1A2 protein (p.Asn435Lys). This variant is not present in population databases (gnomAD no frequency). This variant has not been reported in the literature in individuals affected with COL1A2-related conditions. Invitae Evidence Modeling of protein sequence and biophysical properties (such as structural, functional, and spatial information, amino acid conservation, physicochemical variation, residue mobility, and thermodynamic stability) indicates that this missense variant is not expected to disrupt COL1A2 protein function with a negative predictive value of 95%. In summary, the available evidence is currently insufficient to determine the role of this variant in disease. Therefore, it has been classified as a Variant of Uncertain Significance.

Cambridge Genomics Laboratory, East Genomic Laboratory Hub, NHS Genomic Medicine Service
Classification: Uncertain significance for Osteogenesis imperfecta. Last evaluated: 2019-07-11. Review status: criteria provided, single submitter. Criteria: ACGS Best Practice Guidelines for Variant Classification in Rare Disease 2020. Collection method: clinical testing. Allele origin: germline. Affected: yes. Observed: 1 variant allele.